The following is an entry in ClinVar:

NM_001967.4(EIF4A2):c.743_746del (p.Lys248fs)

Gene: EIF4A2 (eukaryotic translation initiation factor 4A2; plus strand). Cytogenetic location: 3q27.3.
Variant type: Deletion.
Coding change: c.743_746del on transcript NM_001967.4 (MANE Select); coding-DNA positions 743 to 746, 4 bases deleted (AACA; older notation c.743_746delAACA).
Protein change: p.Lys248fs; shifts the reading frame from lysine 248.
Molecular consequence: frameshift variant.
Genome position (GRCh38, 1-based): chr3:186,786,617-186,786,620, AACA deleted; deleting any 4 consecutive bases within chr3:186,786,615-186,786,620 gives the same sequence; the c. name uses the placement nearest the transcript's 3' end. VCF-style (leftmost placement, unchanged base first): chr3-186786614-TCAAA-T. GRCh37 (hg19) VCF-style: chr3-186504403-TCAAA-T.
Other names: short protein forms K248fs.
Identifiers: ClinVar variation 3602937 (VCV003602937.2).

ClinVar aggregate classification (germline): Uncertain significance (1 of 4 stars; one submission).

Submission:

GeneDx
Classification: Uncertain significance. Last evaluated: 2025-03-10. Review status: criteria provided, single submitter. Criteria: GeneDx Variant Classification Process June 2021. Collection method: clinical testing. Allele origin: germline.
Comment: Frameshift variant predicted to result in protein truncation or nonsense mediated decay in a gene or region of a gene for which loss of function is not a well-established mechanism of disease; Not observed at significant frequency in large population cohorts (gnomAD); Has not been previously published as pathogenic or benign to our knowledge